The following is an entry in ClinVar:

NM_033109.5(PNPT1):c.818C>A (p.Pro273His)

Gene: PNPT1 (polyribonucleotide nucleotidyltransferase 1; minus strand). Cytogenetic location: 2p16.1.
Variant type: single nucleotide variant.
Coding change: c.818C>A on transcript NM_033109.5 (MANE Select); coding-DNA position 818, C replaced by A.
Protein change: p.Pro273His; replaces proline 273 with histidine.
Molecular consequence: missense variant.
Genome position (GRCh38, 1-based): chr2:55,672,941, G>T on the plus strand (C>A on the coding strand, the complement: PNPT1 is on the minus strand). VCF-style: chr2-55672941-G-T. GRCh37 (hg19) VCF-style: chr2-55900076-G-T.
Other names: short protein forms P273H.
Identifiers: ClinVar variation 1373175 (VCV001373175.8), dbSNP rs1367460436, ClinGen allele CA346933784.

ClinVar aggregate classification (germline): Uncertain significance (1 of 4 stars; one submission).

gnomAD v4.1: 1 of 1,613,034 alleles (0.000062%); highest among the groups gnomAD compares: Non-Finnish European, 0.000085%; no homozygotes.

Submission:

Labcorp Genetics (formerly Invitae), Labcorp
Classification: Uncertain significance. Last evaluated: 2021-06-07. Review status: criteria provided, single submitter. Criteria: Invitae Variant Classification Sherloc (09022015). Collection method: clinical testing. Allele origin: germline.
Comment: Advanced modeling of protein sequence and biophysical properties (such as structural, functional, and spatial information, amino acid conservation, physicochemical variation, residue mobility, and thermodynamic stability) performed at Invitae indicates that this missense variant is not expected to disrupt PNPT1 protein function. This sequence change replaces proline with histidine at codon 273 of the PNPT1 protein (p.Pro273His). The proline residue is moderately conserved and there is a moderate physicochemical difference between proline and histidine. This variant is not present in population databases (ExAC no frequency). This variant has not been reported in the literature in individuals with PNPT1-related conditions. In summary, the available evidence is currently insufficient to determine the role of this variant in disease. Therefore, it has been classified as a Variant of Uncertain Significance.